The following is an entry in ClinVar:

NM_006767.4(LZTR1):c.-3G>A

Genes: LZTR1 (leucine zipper like post translational regulator 1; plus strand), LOC130067016 (ATAC-STARR-seq lymphoblastoid silent region 13504; plus strand). Cytogenetic location: 22q11.21.
Variant type: single nucleotide variant.
Coding change: c.-3G>A on transcript NM_006767.4 (MANE Select); 3 bases upstream of the start codon, G replaced by A.
Molecular consequence: 5 prime UTR variant.
Genome position (GRCh38, 1-based): chr22:20,982,369, G>A. VCF-style: chr22-20982369-G-A. GRCh37 (hg19) VCF-style: chr22-21336658-G-A.
Identifiers: ClinVar variation 1736902 (VCV001736902.3), dbSNP rs776323118, ClinGen allele CA10118262.

ClinVar aggregate classification (germline): Uncertain significance (1 of 4 stars; one submission).

Conditions:
Hereditary cancer-predisposing syndrome. Also called: Neoplastic Syndromes, Hereditary; Tumor predisposition; Hereditary Cancer Syndrome; Hereditary neoplastic syndrome. Identifiers: Orphanet 140162, MedGen C0027672, MeSH D009386, MONDO:0015356.
Cardiovascular phenotype. Identifiers: MedGen CN230736.

Allele frequency attached by ClinVar (database versions not stated): ExAC 0.00008.

Submission:

Ambry Genetics
Classification: Uncertain significance for Cardiovascular phenotype; Hereditary cancer-predisposing syndrome. Last evaluated: 2025-03-31. Review status: criteria provided, single submitter. Criteria: Ambry Variant Classification Scheme 2023. Collection method: clinical testing. Allele origin: germline.
Comment: The c.-3G>A variant is located in the 5' untranslated region (5&rsquo; UTR) of the LZTR1 gene. This variant results from a G to A substitution 3 bases upstream from the first translated codon. This nucleotide position is well conserved in available vertebrate species. Based on the available evidence, the clinical significance of this variant remains unclear.